The following is an entry in ClinVar:

ClinVar aggregate classification (germline): Uncertain significance (1 of 4 stars; one submission).

Submission:

GeneDx
Classification: Uncertain significance. Last evaluated: 2024-09-16. Review status: criteria provided, single submitter. Criteria: GeneDx Variant Classification Process June 2021. Collection method: clinical testing. Allele origin: germline. Affected: yes.
Comment: Not observed at significant frequency in large population cohorts (gnomAD); In silico analysis supports that this missense variant has a deleterious effect on protein structure/function; Has not been previously published as pathogenic or benign to our knowledge

NM_001130438.3(SPTAN1):c.4183T>C (p.Phe1395Leu)

Gene: SPTAN1 (spectrin alpha, non-erythrocytic 1; plus strand). Cytogenetic location: 9q34.11.
Variant type: single nucleotide variant.
Coding change: c.4183T>C on transcript NM_001130438.3 (MANE Select); coding-DNA position 4183, T replaced by C.
Protein change: p.Phe1395Leu; replaces phenylalanine 1395 with leucine.
Molecular consequence: missense variant.
Genome position (GRCh38, 1-based): chr9:128,607,888, T>C. VCF-style: chr9-128607888-T-C. GRCh37 (hg19) VCF-style: chr9-131370167-T-C.
Other names: c.4123T>C, p.Phe1375Leu (NM_001195532.2, NM_001363765.2, NM_001375314.2); c.4183T>C, p.Phe1395Leu (NM_001363759.2, NM_001375310.1, NM_001375311.2 and 2 more transcripts); c.4219T>C, p.Phe1407Leu (NM_001375312.2, NM_001375318.1); short protein forms F1375L, F1395L, F1407L.
Identifiers: ClinVar variation 3769742 (VCV003769742.1).